The following is an entry in ClinVar:

ClinVar aggregate classification (germline): Likely benign (1 of 4 stars; one submission).

Submission:

CeGaT Center for Human Genetics Tuebingen
Classification: Likely benign. Last evaluated: 2025-08-01. Review status: criteria provided, single submitter. Criteria: CeGaT Center For Human Genetics Tuebingen Variant Classification Criteria Version 2. Collection method: clinical testing. Allele origin: germline. Affected: yes. Observed: 1 variant allele.
Comment: ASXL3: PM2:Supporting, BP4, BP7

NM_030632.3(ASXL3):c.150A>G (p.Pro50=)

Gene: ASXL3 (ASXL transcriptional regulator 3; plus strand). Cytogenetic location: 18q12.1.
Variant type: single nucleotide variant.
Coding change: c.150A>G on transcript NM_030632.3 (MANE Select); coding-DNA position 150, A replaced by G.
Protein change: p.Pro50=; no amino-acid change (proline 50 retained).
Molecular consequence: synonymous variant.
Genome position (GRCh38, 1-based): chr18:33,644,906, A>G. VCF-style: chr18-33644906-A-G. GRCh37 (hg19) VCF-style: chr18-31224870-A-G.
Identifiers: ClinVar variation 4085011 (VCV004085011.8).